The following is an entry in ClinVar:

NM_001082538.3(TCTN1):c.256_257del (p.Gln86fs)

Gene: TCTN1 (tectonic family member 1; plus strand). Cytogenetic location: 12q24.11.
Variant type: Microsatellite.
Coding change: c.256_257del on transcript NM_001082538.3 (MANE Select); coding-DNA positions 256 to 257, 2 bases deleted (CA; older notation c.256_257delCA).
Protein change: p.Gln86fs; shifts the reading frame from glutamine 86.
Molecular consequence: frameshift variant. On other transcripts: 5 prime UTR variant (1), non-coding transcript variant (1).
Genome position (GRCh38, 1-based): chr12:110,619,871-110,619,872, CA deleted; deleting any 2 consecutive bases within chr12:110,619,869-110,619,872 gives the same sequence; the c. name uses the placement nearest the transcript's 3' end. VCF-style (leftmost placement, unchanged base first): chr12-110619868-GCA-G. GRCh37 (hg19) VCF-style: chr12-111057673-GCA-G.
Other names: c.256_257del, p.Gln86fs (NM_001319680.2, NM_024549.6, NM_001082537.3); c.-454CA[1] (NM_001319681.2); c.88_89del, p.Gln30fs (NM_001319682.3, NM_001173975.3); c.76_77del, p.Gln26fs (NM_001173976.2); short protein forms Q86fs, Q30fs, Q26fs.
Identifiers: ClinVar variation 2921929 (VCV002921929.3), dbSNP rs2548796089, ClinGen allele CA2739291729.

ClinVar aggregate classification (germline): Pathogenic (1 of 4 stars; one submission).

Conditions:
Joubert syndrome. Also called: CEREBELLOPARENCHYMAL DISORDER IV; JOUBERT-BOLTSHAUSER SYNDROME; Familial aplasia of the vermis. Identifiers: Orphanet 475, MedGen C5979921, MONDO:0018772.
Meckel-Gruber syndrome. Also called: DYSENCEPHALIA SPLANCHNOCYSTICA; GRUBER SYNDROME; Dysencephalia splachnocystica. Identifiers: Orphanet 564, MedGen C0265215, MONDO:0018921.

Submission:

Labcorp Genetics (formerly Invitae), Labcorp
Classification: Pathogenic for Joubert syndrome; Meckel-Gruber syndrome. Last evaluated: 2024-01-13. Review status: criteria provided, single submitter. Criteria: Invitae Variant Classification Sherloc (09022015). Collection method: clinical testing. Allele origin: germline.
Comment: This sequence change creates a premature translational stop signal (p.Gln86Valfs*2) in the TCTN1 gene. It is expected to result in an absent or disrupted protein product. Loss-of-function variants in TCTN1 are known to be pathogenic (PMID: 21725307, 22693042, 27894351). This variant is not present in population databases (gnomAD no frequency). This variant has not been reported in the literature in individuals affected with TCTN1-related conditions. For these reasons, this variant has been classified as Pathogenic.

Literature cited by the submitters: PubMed 21725307; PubMed 22693042; PubMed 27894351.